The following is an entry in ClinVar:

ClinVar aggregate classification (germline): Pathogenic (1 of 4 stars; one submission).

Conditions:
Neurofibromatosis, type 1 (NF1). Also called: Peripheral type neurofibromatosis; Neurofibromatosis, type I; VON RECKLINGHAUSEN DISEASE; NEUROFIBROMATOSIS, TYPE I, SOMATIC. Identifiers: Orphanet 636, MedGen C0027831, MONDO:0018975, OMIM 162200. Disease mechanism: loss of function.

Submission:

Labcorp Genetics (formerly Invitae), Labcorp
Classification: Pathogenic for Neurofibromatosis, type 1. Last evaluated: 2019-12-13. Review status: criteria provided, single submitter. Criteria: Invitae Variant Classification Sherloc (09022015). Collection method: clinical testing. Allele origin: germline.
Comment: This sequence change creates a premature translational stop signal (p.Leu2656Cysfs*2) in the NF1 gene. It is expected to result in an absent or disrupted protein product. This variant is not present in population databases (ExAC no frequency). This variant has not been reported in the literature in individuals with NF1-related conditions. Loss-of-function variants in NF1 are known to be pathogenic (PMID: 10712197, 23913538). For these reasons, this variant has been classified as Pathogenic.

Literature cited by the submitters: PubMed 10712197; PubMed 23913538.

NM_001042492.3(NF1):c.8030del (p.Leu2677fs)

Gene: NF1 (neurofibromin 1; plus strand). Cytogenetic location: 17q11.2.
Variant type: Deletion.
Coding change: c.8030del on transcript NM_001042492.3 (MANE Select); coding-DNA position 8030, one base deleted (T; older notation c.8030delT).
Protein change: p.Leu2677fs; shifts the reading frame from leucine 2677.
Molecular consequence: frameshift variant.
Genome position (GRCh38, 1-based): chr17:31,358,539, T deleted; the last of 3 consecutive T bases (chr17:31,358,537-31,358,539); deleting any one gives the same sequence. VCF-style (leftmost placement, unchanged base first): chr17-31358536-AT-A. GRCh37 (hg19) VCF-style: chr17-29685554-AT-A.
Other names: c.7967delT, p.Leu2656Cysfs (NM_000267.4); short protein forms L2677fs, L2656fs.
Identifiers: ClinVar variation 838455 (VCV000838455.2), dbSNP rs772757623, ClinGen allele CA916080685.
Genomic context (GRCh38, chr17:31,358,536, plus strand): 5'-TTAGGCATAATTTGTTGGACTCTAAGATCAACACCCTGTTATCATTGTGCCAAGATCCAA[AT>A]TTGTTAAATCCAATCCATGGAATTGTGCAGAGTGTGGTGTACCATGAAGAATCCCCACCA-3'